The following is an entry in ClinVar:

ClinVar aggregate classification (germline): Pathogenic (1 of 4 stars; one submission).

Conditions:
Cardiovascular phenotype. Identifiers: MedGen CN230736.

Submission:

Ambry Genetics
Classification: Pathogenic for Cardiovascular phenotype. Last evaluated: 2023-09-22. Review status: criteria provided, single submitter. Criteria: Ambry Variant Classification Scheme 2023. Collection method: clinical testing. Allele origin: germline.
Comment: The c.4235_4237delTGAinsG pathogenic mutation, located in coding exon 23 of the DSP gene, results from the deletion of 3 nucleotides and insertion of one nucleotide causing a translational frameshift with a predicted alternate stop codon (p.L1412Rfs*27). This variant is considered to be rare based on population cohorts in the Genome Aggregation Database (gnomAD). Alterations in DSP that result in haploinsufficiency or protein truncation have been reported in patients with arrhythmogenic right ventricular cardiomyopathy (ARVC) and dilated cardiomyopathy (DCM) (Fressart V et al. Europace. 2010;12(6):861-8; Elliott P et al. Circ Cardiovasc Genet. 2010;3(4):314-22; Quarta G et al. Circulation. 2011;123(23):2701-9; Garcia-Pavia P et al. Heart. 2011;97(21):1744-52; Rasmussen TB et al. Clin Genet. 2013;84(1):20-30; Pugh TJ et al. Genet Med. 2014;16(8):601-8). This alteration is expected to result in loss of function by premature protein truncation or nonsense-mediated mRNA decay. Based on the supporting evidence, this alteration is interpreted as a disease-causing mutation.

NM_004415.4(DSP):c.4235_4237delinsG (p.Leu1412fs)

Gene: DSP (desmoplakin; plus strand). Cytogenetic location: 6p24.3.
Variant type: Indel.
Coding change: c.4235_4237delinsG on transcript NM_004415.4 (MANE Select); coding-DNA positions 4235 to 4237, TGA replaced by G.
Protein change: p.Leu1412fs; shifts the reading frame from leucine 1412.
Molecular consequence: frameshift variant. On other transcripts: intron variant (2).
Genome position (GRCh38, 1-based): chr6:7,580,425-7,580,427, TGA replaced by G. VCF-style: chr6-7580425-TGA-G. GRCh37 (hg19) VCF-style: chr6-7580658-TGA-G.
Other names: c.4235_4237delTGAinsG (LRG_423t1); c.4050+185_4050+187delinsG (NM_001319034.2); c.3582+653_3582+655delinsG (NM_001008844.3); short protein forms L1412fs.
Identifiers: ClinVar variation 518469 (VCV000518469.5), dbSNP rs1554108280, ClinGen allele CA658796713.